The following is an entry in ClinVar:

NM_001378454.1(ALMS1):c.8836C>G (p.His2946Asp)

Gene: ALMS1 (ALMS1 centrosome and basal body associated protein; plus strand). Cytogenetic location: 2p13.1.
Variant type: single nucleotide variant.
Coding change: c.8836C>G on transcript NM_001378454.1 (MANE Select); coding-DNA position 8836, C replaced by G.
Protein change: p.His2946Asp; replaces histidine 2946 with aspartic acid.
Molecular consequence: missense variant.
Genome position (GRCh38, 1-based): chr2:73,490,795, C>G. VCF-style: chr2-73490795-C-G. GRCh37 (hg19) VCF-style: chr2-73717922-C-G.
Other names: c.8839C>G, p.His2947Asp (NM_015120.4); short protein forms H2946D, H2947D.
Identifiers: ClinVar variation 3345724 (VCV003345724.1).

ClinVar aggregate classification (germline): Uncertain significance (0 of 4 stars; one submission).

Conditions:
ALMS1-related disorder. Also called: ALMS1-related condition.

gnomAD v4.1: 1 of 1,613,864 alleles (0.000062%); highest among the groups gnomAD compares: African/African-American, 0.0013%; no homozygotes.

Submission:

PreventionGenetics, part of Exact Sciences
Classification: Uncertain significance for ALMS1-related condition. Last evaluated: 2024-05-31. Review status: no assertion criteria provided. Collection method: clinical testing. Allele origin: germline.
Comment: The ALMS1 c.8839C>G variant is predicted to result in the amino acid substitution p.Pro2947Ala. To our knowledge, this variant has not been reported in the literature or in a large population database, indicating this variant is rare. At this time, the clinical significance of this variant is uncertain due to the absence of conclusive functional and genetic evidence.